The following is an entry in ClinVar:

NM_024642.5(GALNT12):c.623T>A (p.Leu208Gln)

Gene: GALNT12 (polypeptide N-acetylgalactosaminyltransferase 12; plus strand). Cytogenetic location: 9q22.33.
Variant type: single nucleotide variant.
Coding change: c.623T>A on transcript NM_024642.5 (MANE Select); coding-DNA position 623, T replaced by A.
Protein change: p.Leu208Gln; replaces leucine 208 with glutamine.
Molecular consequence: missense variant.
Genome position (GRCh38, 1-based): chr9:98,826,833, T>A. VCF-style: chr9-98826833-T-A. GRCh37 (hg19) VCF-style: chr9-101589115-T-A.
Other names: short protein forms L208Q.
Identifiers: ClinVar variation 1752381 (VCV001752381.4), dbSNP rs2490501874, ClinGen allele CA374217541.

ClinVar aggregate classification (germline): Uncertain significance (1 of 4 stars; one submission).

Allele frequency attached by ClinVar (database versions not stated): gnomAD exomes below 0.00001.

Submission:

Ambry Genetics
Classification: Uncertain significance. Last evaluated: 2025-11-18. Review status: criteria provided, single submitter. Criteria: Ambry Variant Classification Scheme 2023. Collection method: clinical testing. Allele origin: germline.
Comment: The p.L208Q variant (also known as c.623T>A), located in coding exon 3 of the GALNT12 gene, results from a T to A substitution at nucleotide position 623. The leucine at codon 208 is replaced by glutamine, an amino acid with dissimilar properties. This amino acid position is highly conserved in available vertebrate species. In addition, this alteration is predicted to be deleterious by in silico analysis. Since supporting evidence is limited at this time, the clinical significance of this alteration remains unclear.